The following is an entry in ClinVar:

NM_001365951.3(KIF1B):c.4479G>A (p.Gln1493=)

Gene: KIF1B (kinesin family member 1B; plus strand). Cytogenetic location: 1p36.22.
Variant type: single nucleotide variant.
Coding change: c.4479G>A on transcript NM_001365951.3 (MANE Select); coding-DNA position 4479, G replaced by A.
Protein change: p.Gln1493=; no amino-acid change (glutamine 1493 retained).
Molecular consequence: synonymous variant.
Genome position (GRCh38, 1-based): chr1:10,365,212, G>A. VCF-style: chr1-10365212-G-A. GRCh37 (hg19) VCF-style: chr1-10425270-G-A.
Other names: c.4479G>A, p.Gln1493= (NM_001365952.1); c.4341G>A, p.Gln1447= (NM_015074.3).
Identifiers: ClinVar variation 1153573 (VCV001153573.13), dbSNP rs1638533963, ClinGen allele CA415886126.

ClinVar aggregate classification (germline): Likely benign. Review status: criteria provided, multiple submitters, no conflicts (2 of 4 stars). 3 submissions from 3 submitters: Likely benign (2). 1 of the submissions does not count toward it. Last evaluated 2026-01-25.

Conditions:
Charcot-Marie-Tooth disease type 2. Also called: Charcot-Marie-Tooth type 2. Identifiers: Orphanet 64746, MedGen C0270914, MONDO:0018993.
KIF1B-related disorder. Also called: KIF1B-related condition.

Allele frequency attached by ClinVar (database versions not stated): TOPMed below 0.00001.

Submissions (3):

Labcorp Genetics (formerly Invitae), Labcorp
Classification: Likely benign for Charcot-Marie-Tooth disease type 2. Last evaluated: 2026-01-25. Review status: criteria provided, single submitter. Criteria: Invitae Variant Classification Sherloc (09022015). Collection method: clinical testing. Allele origin: germline.

Ambry Genetics
Classification: Likely benign. Last evaluated: 2020-08-21. Review status: criteria provided, single submitter. Criteria: Ambry Variant Classification Scheme 2023. Collection method: clinical testing. Allele origin: germline.

PreventionGenetics, part of Exact Sciences
Classification: Likely benign for KIF1B-related condition. Last evaluated: 2022-04-18. Review status: no assertion criteria provided. Collection method: clinical testing. Allele origin: germline. Not counted in ClinVar's aggregate classification.
Comment: This variant is classified as likely benign based on ACMG/AMP sequence variant interpretation guidelines (Richards et al. 2015 PMID: 25741868, with internal and published modifications).